The following is an entry in ClinVar:

NM_002834.5(PTPN11):c.1198G>C (p.Glu400Gln)

Gene: PTPN11 (protein tyrosine phosphatase non-receptor type 11; plus strand). Cytogenetic location: 12q24.13.
Variant type: single nucleotide variant.
Coding change: c.1198G>C on transcript NM_002834.5 (MANE Select); coding-DNA position 1198, G replaced by C.
Protein change: p.Glu400Gln; replaces glutamic acid 400 with glutamine.
Molecular consequence: missense variant.
Genome position (GRCh38, 1-based): chr12:112,482,179, G>C. VCF-style: chr12-112482179-G-C. GRCh37 (hg19) VCF-style: chr12-112919983-G-C.
Other names: c.1198G>C, p.Glu400Gln (NM_001330437.2, NM_080601.3); c.1195G>C, p.Glu399Gln (NM_001374625.1); short protein forms E399Q, E400Q.
Identifiers: ClinVar variation 4803094 (VCV004803094.1).
Genomic context (GRCh38, chr12:112,482,179, plus strand): 5'-TATGGCGTCATGCGTGTTAGGAACGTCAAAGAAAGCGCCGCTCATGACTATACGCTAAGA[G>C]AACTTAAACTTTCAAAGGTTGGACAAGTAAGTATATTGTCGTATTCTAGAGACTTTGGGA-3'
Protein context (NP_002825.3, residues 390-410): ESAAHDYTLR[Glu400Gln]LKLSKVGQGN

ClinVar aggregate classification (germline): Uncertain significance (1 of 4 stars; one submission).

Conditions:
RASopathy. Also called: rasopathies; Noonan spectrum disorder. Identifiers: Orphanet 536391, MedGen C5555857, MONDO:0021060.

Submission:

Labcorp Genetics (formerly Invitae), Labcorp
Classification: Uncertain significance for RASopathy. Last evaluated: 2025-04-15. Review status: criteria provided, single submitter. Criteria: Invitae Variant Classification Sherloc (09022015). Collection method: clinical testing. Allele origin: germline.
Comment: This sequence change replaces glutamic acid, which is acidic and polar, with glutamine, which is neutral and polar, at codon 400 of the PTPN11 protein (p.Glu400Gln). This variant is not present in population databases (gnomAD no frequency). This variant has not been reported in the literature in individuals affected with PTPN11-related conditions. Invitae Evidence Modeling of protein sequence and biophysical properties (such as structural, functional, and spatial information, amino acid conservation, physicochemical variation, residue mobility, and thermodynamic stability) has been performed for this missense variant. However, the output from this modeling did not meet the statistical confidence thresholds required to predict the impact of this variant on PTPN11 protein function. In summary, the available evidence is currently insufficient to determine the role of this variant in disease. Therefore, it has been classified as a Variant of Uncertain Significance.